The following is an entry in ClinVar:

NM_001199138.2(NLRC4):c.2602C>T (p.Leu868Phe)

Gene: NLRC4 (NLR family CARD domain containing 4; minus strand). Cytogenetic location: 2p22.3.
Variant type: single nucleotide variant.
Coding change: c.2602C>T on transcript NM_001199138.2 (MANE Select); coding-DNA position 2602, C replaced by T.
Protein change: p.Leu868Phe; replaces leucine 868 with phenylalanine.
Molecular consequence: missense variant.
Genome position (GRCh38, 1-based): chr2:32,236,259, G>A on the plus strand (C>T on the coding strand, the complement: NLRC4 is on the minus strand). VCF-style: chr2-32236259-G-A. GRCh37 (hg19) VCF-style: chr2-32461328-G-A.
Other names: c.2602C>T, p.Leu868Phe (NM_001199139.2, NM_021209.5); c.607C>T, p.Leu203Phe (NM_001302504.2); short protein forms L203F, L868F.
Identifiers: ClinVar variation 2943397 (VCV002943397.3), dbSNP rs2466722045, ClinGen allele CA346520952.

ClinVar aggregate classification (germline): Uncertain significance (1 of 4 stars; one submission).

Conditions:
Periodic fever-infantile enterocolitis-autoinflammatory syndrome. Also called: Autoinflammation with infantile enterocolitis. Identifiers: Orphanet 436166, MedGen C4015067, MONDO:0014472, OMIM 616050.
Familial cold autoinflammatory syndrome 4 (FCAS4). Identifiers: Orphanet 47045, Orphanet 576349, MedGen C4015276, MONDO:0014498, OMIM 616115.

Allele frequency attached by ClinVar (database versions not stated): gnomAD exomes below 0.00001.
gnomAD v4.1: 4 of 1,603,098 alleles (0.00025%); highest among the groups gnomAD compares: Non-Finnish European, 0.00034%; no homozygotes.

Submission:

Labcorp Genetics (formerly Invitae), Labcorp
Classification: Uncertain significance for Periodic fever-infantile enterocolitis-autoinflammatory syndrome; Familial cold autoinflammatory syndrome 4. Last evaluated: 2023-01-19. Review status: criteria provided, single submitter. Criteria: Invitae Variant Classification Sherloc (09022015). Collection method: clinical testing. Allele origin: germline.
Comment: This sequence change replaces leucine, which is neutral and non-polar, with phenylalanine, which is neutral and non-polar, at codon 868 of the NLRC4 protein (p.Leu868Phe). This variant is not present in population databases (gnomAD no frequency). This variant has not been reported in the literature in individuals affected with NLRC4-related conditions. Advanced modeling of protein sequence and biophysical properties (such as structural, functional, and spatial information, amino acid conservation, physicochemical variation, residue mobility, and thermodynamic stability) performed at Invitae indicates that this missense variant is not expected to disrupt NLRC4 protein function. In summary, the available evidence is currently insufficient to determine the role of this variant in disease. Therefore, it has been classified as a Variant of Uncertain Significance.